The following is an entry in ClinVar:

ClinVar aggregate classification (germline): Uncertain significance. Review status: criteria provided, multiple submitters, no conflicts (2 of 4 stars). 3 submissions from 3 submitters: Uncertain significance (3). Last evaluated 2025-04-14.

Conditions:
Familial cancer of breast. Also called: BREAST CANCER, FAMILIAL; Hereditary breast cancer; hereditary breast carcinoma. Identifiers: Orphanet 227535, MedGen C0346153, MONDO:0016419, OMIM 114480. Disease mechanism: loss of function.
Hereditary cancer-predisposing syndrome. Also called: Neoplastic Syndromes, Hereditary; Tumor predisposition; Hereditary neoplastic syndrome; Hereditary Cancer Syndrome. Identifiers: Orphanet 140162, MedGen C0027672, MeSH D009386, MONDO:0015356.

Allele frequency attached by ClinVar (database versions not stated): TOPMed below 0.00001; gnomAD 0.00001.
gnomAD v4.1: 2 of 1,592,230 alleles (0.00013%); highest among the groups gnomAD compares: Admixed American, 0.0017%; no homozygotes.

Submissions (3):

Labcorp Genetics (formerly Invitae), Labcorp
Classification: Uncertain significance for Familial cancer of breast. Last evaluated: 2025-04-14. Review status: criteria provided, single submitter. Criteria: Invitae Variant Classification Sherloc (09022015). Collection method: clinical testing. Allele origin: germline.
Comment: This sequence change replaces serine, which is neutral and polar, with phenylalanine, which is neutral and non-polar, at codon 16 of the BARD1 protein (p.Ser16Phe). This variant is not present in population databases (gnomAD no frequency). This variant has not been reported in the literature in individuals affected with BARD1-related conditions. ClinVar contains an entry for this variant (Variation ID: 825186). An algorithm developed to predict the effect of missense changes on protein structure and function (PolyPhen-2) suggests that this variant is likely to be disruptive. In summary, the available evidence is currently insufficient to determine the role of this variant in disease. Therefore, it has been classified as a Variant of Uncertain Significance.

Ambry Genetics
Classification: Uncertain significance for Hereditary cancer-predisposing syndrome. Last evaluated: 2024-01-17. Review status: criteria provided, single submitter. Criteria: Ambry Variant Classification Scheme 2023. Collection method: clinical testing. Allele origin: germline.
Comment: The p.S16F variant (also known as c.47C>T), located in coding exon 1 of the BARD1 gene, results from a C to T substitution at nucleotide position 47. The serine at codon 16 is replaced by phenylalanine, an amino acid with highly dissimilar properties. This amino acid position is well conserved in available vertebrate species. In addition, the in silico prediction for this alteration is inconclusive. Since supporting evidence is limited at this time, the clinical significance of this alteration remains unclear.

MGZ Medical Genetics Center
Classification: Uncertain significance for Familial cancer of breast. Last evaluated: 2022-01-24. Review status: criteria provided, single submitter. Criteria: ACMG Guidelines, 2015. Collection method: clinical testing. Allele origin: germline. Affected: yes. Observed: 1 variant allele.
Comment: ACMG criteria applied: PM2_SUP, PP3, BP1

NM_000465.4(BARD1):c.47C>T (p.Ser16Phe)

Gene: BARD1 (BRCA1 associated RING domain 1; minus strand). Cytogenetic location: 2q35.
Variant type: single nucleotide variant.
Coding change: c.47C>T on transcript NM_000465.4 (MANE Select); coding-DNA position 47, C replaced by T.
Protein change: p.Ser16Phe; replaces serine 16 with phenylalanine.
Molecular consequence: missense variant. On other transcripts: non-coding transcript variant (3).
Genome position (GRCh38, 1-based): chr2:214,809,523, G>A on the plus strand (C>T on the coding strand, the complement: BARD1 is on the minus strand). VCF-style: chr2-214809523-G-A. GRCh37 (hg19) VCF-style: chr2-215674247-G-A.
Other names: c.47C>T, p.Ser16Phe (NM_001282543.2, NM_001282545.2, NM_001282548.2 and 1 more transcripts); short protein forms S16F.
Identifiers: ClinVar variation 825186 (VCV000825186.13), dbSNP rs1326565823, ClinGen allele CA350465276.